The following is an entry in ClinVar:

NM_015662.3(IFT172):c.4599G>A (p.Thr1533=)

Gene: IFT172 (intraflagellar transport 172; minus strand). Cytogenetic location: 2p23.3.
Variant type: single nucleotide variant.
Coding change: c.4599G>A on transcript NM_015662.3 (MANE Select); coding-DNA position 4599, G replaced by A.
Protein change: p.Thr1533=; no amino-acid change (threonine 1533 retained).
Molecular consequence: synonymous variant.
Genome position (GRCh38, 1-based): chr2:27,447,575, C>T on the plus strand (G>A on the coding strand, the complement: IFT172 is on the minus strand). VCF-style: chr2-27447575-C-T. GRCh37 (hg19) VCF-style: chr2-27670442-C-T.
Other names: c.4599G>A (NM_015662.2); c.4533G>A, p.Thr1511= (NM_001410739.1).
Identifiers: ClinVar variation 1980337 (VCV001980337.5), dbSNP rs1416391230, ClinGen allele CA425414045.
Genomic context (GRCh38, chr2:27,447,575, plus strand): 5'-CAGCTGTTTGACACTCTGGGCTGCAGAGCGCGTGGCATAGTAATGAGCGATCAGCAGCAT[C>T]GTCTTGAACTCCTCATGGGCTGGAGAGTTTGCCTCACTGGACTTCACCAGGTTTTCACAC-3'
Protein context (NP_056477.1, residues 1523-1543): ANSPAHEEFK[Thr1533=]MLLIAHYYAT

ClinVar aggregate classification (germline): Likely benign. Review status: criteria provided, multiple submitters, no conflicts (2 of 4 stars). 2 submissions from 2 submitters: Likely benign (2). Last evaluated 2026-03-26.

Conditions:
IFT172-related disorder. Also called: IFT172-related condition; IFT172-related disorders.
Short-rib thoracic dysplasia 10 with or without polydactyly (SRTD10). Identifiers: Orphanet 474, MedGen C3810175, MONDO:0014284, OMIM 615630.
Retinitis pigmentosa 71 (RP71). Identifiers: Orphanet 791, MedGen C4225342, MONDO:0014618, OMIM 616394.

Allele frequency attached by ClinVar (database versions not stated): gnomAD exomes below 0.00001; TOPMed 0.00001.
gnomAD v4.1: 5 of 1,614,130 alleles (0.00031%); highest among the groups gnomAD compares: African/African-American, 0.0013%; no homozygotes.

Submissions (2):

PreventionGenetics, part of Exact Sciences
Classification: Likely benign for IFT172-related condition. Last evaluated: 2026-03-26. Review status: criteria provided, single submitter. Criteria: ACMG Guidelines, 2015. Collection method: clinical testing. Allele origin: germline.
Comment: This variant is classified as likely benign based on ACMG/AMP sequence variant interpretation guidelines (Richards et al. 2015 PMID: 25741868, with internal and published modifications).

Labcorp Genetics (formerly Invitae), Labcorp
Classification: Likely benign for Retinitis pigmentosa 71; Short-rib thoracic dysplasia 10 with or without polydactyly. Last evaluated: 2022-10-24. Review status: criteria provided, single submitter. Criteria: Invitae Variant Classification Sherloc (09022015). Collection method: clinical testing. Allele origin: germline.